The following is an entry in ClinVar:

ClinVar aggregate classification (germline): Likely pathogenic. Review status: criteria provided, single submitter (1 of 4 stars). 2 submissions from 2 submitters: Likely pathogenic (1). 1 of the submissions does not count toward it. Last evaluated 2022-08-31.

Conditions:
Smith-Lemli-Opitz syndrome (SLOS). Also called: LETHAL ACRODYSGENITAL SYNDROME; POLYDACTYLY, SEX REVERSAL, RENAL HYPOPLASIA, AND UNILOBAR LUNG; RSH SYNDROME; RUTLEDGE LETHAL MULTIPLE CONGENITAL ANOMALY SYNDROME; 7-Dehydrocholesterol reductase deficiency. Identifiers: Orphanet 818, MedGen C0175694, MONDO:0010035, OMIM 270400.

Allele frequency attached by ClinVar (database versions not stated): gnomAD exomes below 0.00001; TOPMed below 0.00001; gnomAD 0.00001.
gnomAD v4.1: 3 of 1,611,014 alleles (0.00019%); highest among the groups gnomAD compares: Non-Finnish European, 0.00025%; no homozygotes.

Submissions (2):

Labcorp Genetics (formerly Invitae), Labcorp
Classification: Likely pathogenic for Smith-Lemli-Opitz syndrome. Last evaluated: 2022-08-31. Review status: criteria provided, single submitter. Criteria: Invitae Variant Classification Sherloc (09022015). Collection method: clinical testing. Allele origin: germline.
Comment: Advanced modeling of protein sequence and biophysical properties (such as structural, functional, and spatial information, amino acid conservation, physicochemical variation, residue mobility, and thermodynamic stability) performed at Invitae indicates that this missense variant is expected to disrupt DHCR7 protein function. This sequence change replaces histidine, which is basic and polar, with proline, which is neutral and non-polar, at codon 426 of the DHCR7 protein (p.His426Pro). This variant is not present in population databases (gnomAD no frequency). This missense change has been observed in individual(s) with Smith-Lemli-Opitz syndrome (PMID: 15896653, 15954111). ClinVar contains an entry for this variant (Variation ID: 554159). In summary, the currently available evidence indicates that the variant is pathogenic, but additional data are needed to prove that conclusively. Therefore, this variant has been classified as Likely Pathogenic.

Counsyl
Classification: Uncertain significance for Smith-Lemli-Opitz syndrome. Last evaluated: 2017-09-27. Review status: no assertion criteria provided. Collection method: clinical testing. Allele origin: unknown. Not counted in ClinVar's aggregate classification.

Literature cited by the submitters: PubMed 15896653 (cited by Labcorp Genetics (formerly Invitae), Labcorp); PubMed 15954111 (cited by Labcorp Genetics (formerly Invitae), Labcorp and Counsyl).

NM_001360.3(DHCR7):c.1277A>C (p.His426Pro)

Gene: DHCR7 (7-dehydrocholesterol reductase; minus strand). Cytogenetic location: 11q13.4.
Variant type: single nucleotide variant.
Coding change: c.1277A>C on transcript NM_001360.3 (MANE Select); coding-DNA position 1277, A replaced by C.
Protein change: p.His426Pro; replaces histidine 426 with proline.
Molecular consequence: missense variant.
Genome position (GRCh38, 1-based): chr11:71,435,526, T>G on the plus strand (A>C on the coding strand, the complement: DHCR7 is on the minus strand). VCF-style: chr11-71435526-T-G. GRCh37 (hg19) VCF-style: chr11-71146572-T-G.
Other names: c.1277A>C, p.His426Pro (NM_001163817.2); short protein forms H426P.
Identifiers: ClinVar variation 554159 (VCV000554159.7), dbSNP rs1354718634, ClinGen allele CA381701125.
Genomic context (GRCh38, chr11:71,435,526, plus strand): 5'-CGGAGGCAGCGGTGGGTCAGCAGGATGGCCATGTAGATGATGTAGAAGTAGGGCAGCAGG[T>G]GGCCGCCGCCACAGGCCAGGCAGTAGGCCAGGCTGCCCATCAGGTCGCCGACGTAGTTGA-3'
Protein context (NP_001351.2, residues 416-436): LAYCLACGGG[His426Pro]LLPYFYIIYM